The following is an entry in ClinVar:

NM_001164508.2(NEB):c.12314A>G (p.Tyr4105Cys)

Gene: NEB (nebulin; minus strand). Cytogenetic location: 2q23.3.
Variant type: single nucleotide variant.
Coding change: c.12314A>G on transcript NM_001164508.2 (MANE Select); coding-DNA position 12314, A replaced by G.
Protein change: p.Tyr4105Cys; replaces tyrosine 4105 with cysteine.
Molecular consequence: missense variant.
Genome position (GRCh38, 1-based): chr2:151,609,825, T>C on the plus strand (A>G on the coding strand, the complement: NEB is on the minus strand). VCF-style: chr2-151609825-T-C. GRCh37 (hg19) VCF-style: chr2-152466339-T-C.
Other names: c.12314A>G, p.Tyr4105Cys (NM_001164507.2, NM_001271208.2); c.11585A>G, p.Tyr3862Cys (NM_004543.5); short protein forms Y3862C, Y4105C.
Identifiers: ClinVar variation 2182589 (VCV002182589.1), dbSNP rs2552227101, ClinGen allele CA348776558.
Genomic context (GRCh38, chr2:151,609,825, plus strand): 5'-CTACATCTTCCCCTTCCCCCTTTCCCAAAATTCATGTTACGTACATCACTCTGCAGGTCA[T>C]AGGCCTTTTTTGCTTGGATAATGTCGTTTTGATCCGGCATGCATGTCCATTCATGCAGGT-3'
Protein context (NP_001157980.2, residues 4095-4115): QNDIIQAKKA[Tyr4105Cys]DLQSDSVYKA

ClinVar aggregate classification (germline): Uncertain significance (1 of 4 stars; one submission).

Conditions:
Nemaline myopathy 2 (NEM2). Also called: Nemaline myopathy 2, autosomal recessive. Identifiers: MedGen C1850569, MONDO:0009725, OMIM 256030.

Allele frequency attached by ClinVar (database versions not stated): gnomAD exomes below 0.00001.
gnomAD v4.1: 1 of 1,592,222 alleles (0.000063%); highest among the groups gnomAD compares: Non-Finnish European, 0.000086%; no homozygotes.

Submission:

Labcorp Genetics (formerly Invitae), Labcorp
Classification: Uncertain significance for Nemaline myopathy 2. Last evaluated: 2022-10-09. Review status: criteria provided, single submitter. Criteria: Invitae Variant Classification Sherloc (09022015). Collection method: clinical testing. Allele origin: germline.
Comment: This sequence change replaces tyrosine, which is neutral and polar, with cysteine, which is neutral and slightly polar, at codon 4105 of the NEB protein (p.Tyr4105Cys). This variant is not present in population databases (gnomAD no frequency). This variant has not been reported in the literature in individuals affected with NEB-related conditions. Algorithms developed to predict the effect of missense changes on protein structure and function are either unavailable or do not agree on the potential impact of this missense change (SIFT: "Deleterious"; PolyPhen-2: "Not Available"; Align-GVGD: "Class C0"). In summary, the available evidence is currently insufficient to determine the role of this variant in disease. Therefore, it has been classified as a Variant of Uncertain Significance.